The following is an entry in ClinVar:

ClinVar aggregate classification (germline): Likely benign (0 of 4 stars; one submission).

Conditions:
KMT2D-related disorder. Also called: KMT2D-Related Disorders.

Submission:

PreventionGenetics, part of Exact Sciences
Classification: Likely benign for KMT2D-related condition. Last evaluated: 2024-05-22. Review status: no assertion criteria provided. Collection method: clinical testing. Allele origin: germline.
Comment: This variant is classified as likely benign based on ACMG/AMP sequence variant interpretation guidelines (Richards et al. 2015 PMID: 25741868, with internal and published modifications).

NM_003482.4(KMT2D):c.13347C>A (p.Leu4449=)

Gene: KMT2D (lysine methyltransferase 2D; minus strand). Cytogenetic location: 12q13.12.
Variant type: single nucleotide variant.
Coding change: c.13347C>A on transcript NM_003482.4 (MANE Select); coding-DNA position 13347, C replaced by A.
Protein change: p.Leu4449=; no amino-acid change (leucine 4449 retained).
Molecular consequence: synonymous variant.
Genome position (GRCh38, 1-based): chr12:49,031,358, G>T on the plus strand (C>A on the coding strand, the complement: KMT2D is on the minus strand). VCF-style: chr12-49031358-G-T. GRCh37 (hg19) VCF-style: chr12-49425141-G-T.
Identifiers: ClinVar variation 3345916 (VCV003345916.1).